The following is an entry in ClinVar:

NM_015311.3(OBSL1):c.5186G>A (p.Ser1729Asn)

Gene: OBSL1 (obscurin like cytoskeletal adaptor 1; minus strand). Cytogenetic location: 2q35.
Variant type: single nucleotide variant.
Coding change: c.5186G>A on transcript NM_015311.3 (MANE Select); coding-DNA position 5186, G replaced by A.
Protein change: p.Ser1729Asn; replaces serine 1729 with asparagine.
Molecular consequence: missense variant.
Genome position (GRCh38, 1-based): chr2:219,552,658, C>T on the plus strand (G>A on the coding strand, the complement: OBSL1 is on the minus strand). VCF-style: chr2-219552658-C-T. GRCh37 (hg19) VCF-style: chr2-220417380-C-T.
Other names: short protein forms S1729N.
Identifiers: ClinVar variation 1515077 (VCV001515077.6), dbSNP rs2106009564, ClinGen allele CA350719305.

ClinVar aggregate classification (germline): Uncertain significance (1 of 4 stars; one submission).

Submission:

Labcorp Genetics (formerly Invitae), Labcorp
Classification: Uncertain significance. Last evaluated: 2021-08-31. Review status: criteria provided, single submitter. Criteria: Invitae Variant Classification Sherloc (09022015). Collection method: clinical testing. Allele origin: germline.
Comment: In summary, the available evidence is currently insufficient to determine the role of this variant in disease. Therefore, it has been classified as a Variant of Uncertain Significance. Algorithms developed to predict the effect of missense changes on protein structure and function (SIFT, PolyPhen-2, Align-GVGD) all suggest that this variant is likely to be tolerated. This variant has not been reported in the literature in individuals affected with OBSL1-related conditions. The frequency data for this variant in the population databases is considered unreliable, as metrics indicate insufficient coverage at this position in the ExAC database. This sequence change replaces serine with asparagine at codon 1729 of the OBSL1 protein (p.Ser1729Asn). The serine residue is weakly conserved and there is a small physicochemical difference between serine and asparagine.